The following is an entry in ClinVar:

NM_002691.4(POLD1):c.1385T>G (p.Val462Gly)

Gene: POLD1 (DNA polymerase delta 1, catalytic subunit; plus strand). Cytogenetic location: 19q13.33.
Variant type: single nucleotide variant.
Coding change: c.1385T>G on transcript NM_002691.4 (MANE Select); coding-DNA position 1385, T replaced by G.
Protein change: p.Val462Gly; replaces valine 462 with glycine.
Molecular consequence: missense variant. On other transcripts: non-coding transcript variant (1).
Genome position (GRCh38, 1-based): chr19:50,406,408, T>G. VCF-style: chr19-50406408-T-G. GRCh37 (hg19) VCF-style: chr19-50909665-T-G.
Other names: c.1385T>G, p.Val462Gly (NM_001256849.1, NM_001308632.1); short protein forms V462G.
Identifiers: ClinVar variation 819058 (VCV000819058.14), dbSNP rs1601216575, ClinGen allele CA406980015.
Genomic context (GRCh38, chr19:50,406,408, plus strand): 5'-CCTGTCCTTGGAAGGCCACTGCCCAGGCCCGCAGCCCACCAGCCCACCCACCCACCTAGG[T>G]GCTGCTGCGGGAGTACAAGCTCCGCTCCTACACGCTCAATGCCGTGAGCTTCCACTTCCT-3'
Protein context (NP_002682.2, residues 452-472): VGRVQMDMLQ[Val462Gly]LLREYKLRSY

ClinVar aggregate classification (germline): Uncertain significance. Review status: criteria provided, multiple submitters, no conflicts (2 of 4 stars). 2 submissions from 2 submitters: Uncertain significance (2). Last evaluated 2025-07-14.

Conditions:
POLD1-related polyposis and colorectal cancer syndrome (CRCS10). Also called: Colorectal cancer, susceptibility to, 10; Colorectal cancer 10; COLORECTAL CANCER, SUSCEPTIBILITY TO, ON CHROMOSOME 19q. Identifiers: Orphanet 220460, MedGen C2675481, MONDO:0012953, OMIM 612591.
Hereditary cancer-predisposing syndrome. Also called: Hereditary Cancer Syndrome; Hereditary neoplastic syndrome; Neoplastic Syndromes, Hereditary; Tumor predisposition. Identifiers: Orphanet 140162, MedGen C0027672, MeSH D009386, MONDO:0015356.

Allele frequency attached by ClinVar (database versions not stated): gnomAD exomes below 0.00001.
gnomAD v4.1: 1 of 1,604,424 alleles (0.000062%); highest among the groups gnomAD compares: Non-Finnish European, 0.000085%; no homozygotes.

Submissions (2):

Labcorp Genetics (formerly Invitae), Labcorp
Classification: Uncertain significance for POLD1-related polyposis and colorectal cancer syndrome. Last evaluated: 2025-07-14. Review status: criteria provided, single submitter. Criteria: Invitae Variant Classification Sherloc (09022015). Collection method: clinical testing. Allele origin: germline.
Comment: This sequence change replaces valine, which is neutral and non-polar, with glycine, which is neutral and non-polar, at codon 462 of the POLD1 protein (p.Val462Gly). This variant is not present in population databases (gnomAD no frequency). This variant has not been reported in the literature in individuals affected with POLD1-related conditions. ClinVar contains an entry for this variant (Variation ID: 819058). An algorithm developed to predict the effect of missense changes on protein structure and function (PolyPhen-2) suggests that this variant is likely to be disruptive. In summary, the available evidence is currently insufficient to determine the role of this variant in disease. Therefore, it has been classified as a Variant of Uncertain Significance.

Ambry Genetics
Classification: Uncertain significance for Hereditary cancer-predisposing syndrome. Last evaluated: 2024-12-30. Review status: criteria provided, single submitter. Criteria: Ambry Variant Classification Scheme 2023. Collection method: clinical testing. Allele origin: germline.
Comment: The p.V462G variant (also known as c.1385T>G), located in coding exon 11 of the POLD1 gene, results from a T to G substitution at nucleotide position 1385. The valine at codon 462 is replaced by glycine, an amino acid with dissimilar properties. This amino acid position is well conserved in available vertebrate species. In addition, the in silico prediction for this alteration is inconclusive. Based on the available evidence, the clinical significance of this variant remains unclear.